The following is an entry in ClinVar:

ClinVar aggregate classification (germline): Uncertain significance (1 of 4 stars; one submission).

Allele frequency attached by ClinVar (database versions not stated): gnomAD 0.00001; 1000 Genomes Project 30x 0.00016.

Submission:

Labcorp Genetics (formerly Invitae), Labcorp
Classification: Uncertain significance. Last evaluated: 2025-02-17. Review status: criteria provided, single submitter. Criteria: Invitae Variant Classification Sherloc (09022015). Collection method: clinical testing. Allele origin: germline.
Comment: This sequence change replaces proline, which is neutral and non-polar, with glutamine, which is neutral and polar, at codon 79 of the FOXI3 protein (p.Pro79Gln). The frequency data for this variant in the population databases is considered unreliable, as metrics indicate insufficient coverage at this position in the gnomAD database. This variant has not been reported in the literature in individuals affected with FOXI3-related conditions. ClinVar contains an entry for this variant (Variation ID: 2122284). Experimental studies and prediction algorithms are not available or were not evaluated, and the functional significance of this variant is currently unknown. In summary, the available evidence is currently insufficient to determine the role of this variant in disease. Therefore, it has been classified as a Variant of Uncertain Significance.

NM_001135649.3(FOXI3):c.236C>A (p.Pro79Gln)

Gene: FOXI3 (forkhead box I3; minus strand). Cytogenetic location: 2p11.2.
Variant type: single nucleotide variant.
Coding change: c.236C>A on transcript NM_001135649.3 (MANE Select); coding-DNA position 236, C replaced by A.
Protein change: p.Pro79Gln; replaces proline 79 with glutamine.
Molecular consequence: missense variant.
Genome position (GRCh38, 1-based): chr2:88,452,300, G>T on the plus strand (C>A on the coding strand, the complement: FOXI3 is on the minus strand). VCF-style: chr2-88452300-G-T. GRCh37 (hg19) VCF-style: chr2-88751818-G-T.
Other names: short protein forms P79Q.
Identifiers: ClinVar variation 2122284 (VCV002122284.4), dbSNP rs2104264291, ClinGen allele CA347766777.
Genomic context (GRCh38, chr2:88,452,300, plus strand): 5'-GCGGCAGGCGGTGGCTGCAGAAAGGGCCCGGCCGCGGCCCCGGGGGGCGGCGGCGGCGGC[G>T]GAGCGCCCAGGTACGCGGCGGCGGCTGCGGCGGCGGCGGAGGGCGGGCCTCCCACGCCGG-3'
Protein context (NP_001129121.1, residues 69-89): AAAAAAYLGA[Pro79Gln]PPPPPPGAAA